The following is an entry in ClinVar:

NM_001365276.2(TNXB):c.6973G>A (p.Val2325Ile)

Gene: TNXB (tenascin XB; minus strand). Cytogenetic location: 6p21.33.
Variant type: single nucleotide variant.
Coding change: c.6973G>A on transcript NM_001365276.2 (MANE Select); coding-DNA position 6973, G replaced by A.
Protein change: p.Val2325Ile; replaces valine 2325 with isoleucine.
Molecular consequence: missense variant.
Genome position (GRCh38, 1-based): chr6:32,062,352, C>T on the plus strand (G>A on the coding strand, the complement: TNXB is on the minus strand). VCF-style: chr6-32062352-C-T. GRCh37 (hg19) VCF-style: chr6-32030129-C-T.
Other names: p.Val2325Ile; c.6973G>A, p.Val2325Ile (NM_019105.8); short protein forms V2325I.
Identifiers: ClinVar variation 871707 (VCV000871707.59), dbSNP rs140304758, ClinGen allele CA3734280.
Genomic context (GRCh38, chr6:32,062,352, plus strand): 5'-TGGGCTGCCCATCCCCATTCTTGTACTGGACCAGGAAGTGGTCAAACTGTCCCTCGGGAA[C>T]CGTCCAGGACAGGCTGAGGGAGTCAGGGGTCGCATCTGTCACGGTCAGCTCCTCCAGGCG-3'
Protein context (NP_001352205.1, residues 2315-2335): TPDSLSLSWT[Val2325Ile]PEGQFDHFLV

ClinVar aggregate classification (germline): Conflicting classifications of pathogenicity. Review status: criteria provided, conflicting classifications (1 of 4 stars). 11 submissions from 11 submitters: Uncertain significance (6); Likely benign (3). 2 of the submissions do not count toward it. Last evaluated 2025-12-09.

Conditions:
Ehlers-Danlos syndrome due to tenascin-X deficiency (EDSCLL1). Also called: TNXB-Related Classical-Like Ehlers-Danlos Syndrome; TNX DEFICIENCY; EHLERS-DANLOS SYNDROME, CLASSIC-LIKE; Ehlers-Danlos syndrome, classic-like, 1; EDS DUE TO TNX DEFICIENCY. Identifiers: Orphanet 230839, MedGen C1848029, MONDO:0011670, OMIM 606408.
Vesicoureteral reflux 8 (VUR8). Identifiers: Orphanet 289365, MedGen C4014831, MONDO:0014422, OMIM 615963.
Cardiovascular phenotype. Identifiers: MedGen CN230736.
Ehlers-Danlos syndrome (EDS). Identifiers: Orphanet 98249, MedGen C0013720, MONDO:0020066.

Allele frequency attached by ClinVar (database versions not stated): 1000 Genomes Project 30x 0.00031; 1000 Genomes Project 0.00060; ESP Exome Variant Server 0.00063; TOPMed 0.00063.
gnomAD v4.1: 881 of 1,613,560 alleles (0.055%); highest among the groups gnomAD compares: Middle Eastern, 0.18%; no homozygotes.

Submissions (11):

Women's Health and Genetics/Laboratory Corporation of America, LabCorp
Classification: Uncertain significance. Last evaluated: 2025-12-09. Review status: criteria provided, single submitter. Criteria: LabCorp Variant Classification Summary - May 2015. Collection method: clinical testing. Allele origin: germline.
Comment: Variant summary: TNXB c.6973G>A (p.Val2325Ile) results in a conservative amino acid change in the encoded protein sequence. Algorithms developed to predict the effect of missense changes on protein structure and function all suggest that this variant is likely to be tolerated. The variant allele was found at a frequency of 0.00057 in 248224 control chromosomes. This frequency is not significantly higher than estimated for disease-causing variants in TNXB, allowing no conclusion about variant significance. To our knowledge, no occurrence of c.6973G>A in individuals affected with TNXB-related conditions and no experimental evidence demonstrating its impact on protein function have been reported. ClinVar contains an entry for this variant (Variation ID: 871707). Based on the evidence outlined above, the variant was classified as uncertain significance.

Mayo Clinic Laboratories, Mayo Clinic
Classification: Likely benign. Last evaluated: 2025-11-30. Review status: criteria provided, single submitter. Criteria: ACMG Guidelines, 2015. Collection method: clinical testing. Allele origin: germline. Observed: 8 variant alleles.
Comment: BS1, BP4

GeneDx
Classification: Uncertain significance. Last evaluated: 2025-06-12. Review status: criteria provided, single submitter. Criteria: GeneDx Variant Classification Process June 2021. Collection method: clinical testing. Allele origin: germline. Affected: yes.
Comment: Has not been previously published as pathogenic or benign to our knowledge; In silico analysis suggests that this missense variant does not alter protein structure/function

CeGaT Center for Human Genetics Tuebingen
Classification: Likely benign. Last evaluated: 2025-02-01. Review status: criteria provided, single submitter. Criteria: CeGaT Center For Human Genetics Tuebingen Variant Classification Criteria Version 2. Collection method: clinical testing. Allele origin: germline. Affected: yes. Observed: 4 variant alleles.
Comment: TNXB: BP4

Ambry Genetics
Classification: Likely benign for Cardiovascular phenotype. Last evaluated: 2024-03-12. Review status: criteria provided, single submitter. Criteria: Ambry Variant Classification Scheme 2023. Collection method: clinical testing. Allele origin: germline.

Fulgent Genetics
Classification: Uncertain significance for Ehlers-Danlos syndrome due to tenascin-X deficiency; Vesicoureteral reflux 8. Last evaluated: 2024-01-26. Review status: criteria provided, single submitter. Criteria: ACMG Guidelines, 2015. Collection method: clinical testing. Allele origin: germline.

Revvity Omics, Revvity
Classification: Uncertain significance for Vesicoureteral reflux 8. Last evaluated: 2021-12-20. Review status: criteria provided, single submitter. Criteria: ACMG Guidelines, 2015. Collection method: clinical testing. Allele origin: germline.

Genome Diagnostics Laboratory, The Hospital for Sick Children
Classification: Uncertain significance for Ehlers-Danlos syndrome. Last evaluated: 2020-10-14. Review status: criteria provided, single submitter. Criteria: ACMG Guidelines, 2015. Collection method: clinical testing. Allele origin: germline.

Breakthrough Genomics
Classification: Uncertain significance. Review status: criteria provided, single submitter. Criteria: ACMG Guidelines, 2015. Collection method: not provided. Allele origin: germline. Inheritance: Autosomal recessive inheritance. Affected: yes.

Clinical Genetics DNA and cytogenetics Diagnostics Lab, Erasmus MC, Erasmus Medical Center
Classification: Likely benign. Review status: no assertion criteria provided. Collection method: clinical testing. Allele origin: germline. Affected: yes. Study: VKGL Data-share Consensus. Not counted in ClinVar's aggregate classification.

Genome Diagnostics Laboratory, Amsterdam University Medical Center
Classification: Likely benign. Review status: no assertion criteria provided. Collection method: clinical testing. Allele origin: germline. Affected: yes. Study: VKGL Data-share Consensus. Not counted in ClinVar's aggregate classification.